The following is an entry in ClinVar:

NM_001903.5(CTNNA1):c.2720_*5dup (p.Ter907=)

Gene: CTNNA1 (catenin alpha 1; plus strand). Cytogenetic location: 5q31.2.
Variant type: Duplication.
Coding change: c.2720_*5dup on transcript NM_001903.5 (MANE Select); coding-DNA position 2720 through 5 bases downstream of the stop codon, 7 bases duplicated (AAGTCTG; older notation c.2720_*5dupAAGTCTG).
Protein change: p.Ter907=.
Molecular consequence: no sequence alteration. On other transcripts: 3 prime UTR variant (5).
Genome position (GRCh38, 1-based): chr5:138,934,088-138,934,094, AAGTCTG duplicated. VCF-style (leftmost placement, unchanged base first): chr5-138934087-T-TAAGTCTG. GRCh37 (hg19) VCF-style: chr5-138269776-T-TAAGTCTG.
Other names: c.*265_*271dup (NM_001290307.3, NM_001324002.1, NM_001324003.1 and 2 more transcripts); c.2411_*5dup, p.Ter804= (NM_001290309.3); c.2351_*5dup, p.Ter784= (NM_001290310.3); c.1610_*5dup, p.Ter537= (NM_001290312.1, NM_001323987.1, NM_001323988.1 and 12 more transcripts); c.2720_*5dup, p.Ter907= (NM_001323982.2, NM_001323983.1, NM_001323984.2); c.2693_*5dup, p.Ter898= (NM_001323985.2); c.2627_*5dup, p.Ter876= (NM_001323986.2); c.1475_*5dup, p.Ter492= (NM_001324001.1); and 3 more.
Identifiers: ClinVar variation 3773323 (VCV003773323.1).

ClinVar aggregate classification (germline): Benign (1 of 4 stars; one submission).

Conditions:
Hereditary diffuse gastric adenocarcinoma (HDGC). Also called: DIFFUSE GASTRIC AND LOBULAR BREAST CANCER SYNDROME. Identifiers: Orphanet 26106, MedGen C1708349, MONDO:0007648, OMIM 137215.

Submission:

Myriad Genetics, Inc.
Classification: Benign for Hereditary diffuse gastric adenocarcinoma. Last evaluated: 2024-10-16. Review status: criteria provided, single submitter. Criteria: Myriad Autosomal Dominant, Autosomal Recessive and X-Linked Classification Criteria (2023). Collection method: clinical testing. Allele origin: unknown.
Comment: This variant is considered benign. This variant occurs in the non-coding 3' untranslated region of the gene, and is not expected to impact protein function.